The following is an entry in ClinVar:

ClinVar aggregate classification (germline): Uncertain significance. Review status: criteria provided, multiple submitters, no conflicts (2 of 4 stars). 2 submissions from 2 submitters: Uncertain significance (2). Last evaluated 2025-07-02.

Conditions:
Inborn genetic diseases. Identifiers: MedGen C0950123, MeSH D030342.
Facioscapulohumeral muscular dystrophy 2 (FSHD2). Also called: MUSCULAR DYSTROPHY, FACIOSCAPULOHUMERAL, TYPE 1B; FACIOSCAPULOHUMERAL MUSCULAR DYSTROPHY 2, DIGENIC; FSHD2, DIGENIC. Identifiers: Orphanet 269, MedGen C1834671, MONDO:0008031, OMIM 158901.

Allele frequency attached by ClinVar (database versions not stated): gnomAD 0.00002 and 0.00003; gnomAD exomes 0.00002 and 0.00003; TOPMed 0.00002; ExAC 0.00003.
gnomAD v4.1: 47 of 1,535,082 alleles (0.0031%); highest among the groups gnomAD compares: Non-Finnish European, 0.0041%; no homozygotes.

Submissions (2):

Ambry Genetics
Classification: Uncertain significance for Inborn genetic diseases. Last evaluated: 2025-07-02. Review status: criteria provided, single submitter. Criteria: Ambry Variant Classification Scheme 2023. Collection method: clinical testing. Allele origin: germline.

Labcorp Genetics (formerly Invitae), Labcorp
Classification: Uncertain significance for Facioscapulohumeral muscular dystrophy 2. Last evaluated: 2023-06-29. Review status: criteria provided, single submitter. Criteria: Invitae Variant Classification Sherloc (09022015). Collection method: clinical testing. Allele origin: germline.
Comment: Advanced modeling of protein sequence and biophysical properties (such as structural, functional, and spatial information, amino acid conservation, physicochemical variation, residue mobility, and thermodynamic stability) performed at Invitae indicates that this missense variant is not expected to disrupt SMCHD1 protein function. ClinVar contains an entry for this variant (Variation ID: 1022636). In summary, the available evidence is currently insufficient to determine the role of this variant in disease. Therefore, it has been classified as a Variant of Uncertain Significance. This variant has not been reported in the literature in individuals affected with SMCHD1-related conditions. This variant is present in population databases (rs772782379, gnomAD 0.004%). This sequence change replaces threonine, which is neutral and polar, with alanine, which is neutral and non-polar, at codon 83 of the SMCHD1 protein (p.Thr83Ala).

NM_015295.3(SMCHD1):c.247A>G (p.Thr83Ala)

Gene: SMCHD1 (structural maintenance of chromosomes flexible hinge domain containing 1; plus strand). Cytogenetic location: 18p11.32.
Variant type: single nucleotide variant.
Coding change: c.247A>G on transcript NM_015295.3 (MANE Select); coding-DNA position 247, A replaced by G.
Protein change: p.Thr83Ala; replaces threonine 83 with alanine.
Molecular consequence: missense variant.
Genome position (GRCh38, 1-based): chr18:2,666,217, A>G. VCF-style: chr18-2666217-A-G. GRCh37 (hg19) VCF-style: chr18-2666216-A-G.
Other names: c.247A>G (NM_015295.2); short protein forms T83A.
Identifiers: ClinVar variation 1022636 (VCV001022636.7), dbSNP rs772782379, ClinGen allele CA8870498.